The following is an entry in ClinVar:

NM_015404.4(WHRN):c.2113_2114delinsTT (p.Pro705Phe)

Gene: WHRN (whirlin; minus strand). Cytogenetic location: 9q32.
Variant type: Indel.
Coding change: c.2113_2114delinsTT on transcript NM_015404.4 (MANE Select); coding-DNA positions 2113 to 2114, CC replaced by TT.
Protein change: p.Pro705Phe; replaces proline 705 with phenylalanine.
Molecular consequence: missense variant.
Genome position (GRCh38, 1-based): chr9:114,406,477-114,406,478, GG replaced by AA on the plus strand (CC replaced by TT on the coding strand, the reverse complement: WHRN is on the minus strand). VCF-style: chr9-114406477-GG-AA. GRCh37 (hg19) VCF-style: chr9-117168757-GG-AA.
Other names: c.964_965delinsTT, p.Pro322Phe (NM_001083885.3); c.2113_2114delinsTT, p.Pro705Phe (NM_001173425.2); c.1060_1061delinsTT, p.Pro354Phe (NM_001346890.1); short protein forms P322F, P354F, P705F.
Identifiers: ClinVar variation 3360278 (VCV003360278.1).
Genomic context (GRCh38, chr9:114,406,477, plus strand): 5'-TCCACCATGACAAAGTGCTGGTTTGTGCCTGTCTGGTCTGGGTGGCCAGAGGGTGATGGG[GG>AA]CAGAAGGCAGCCCCCAGCCACTGTGGCCTCTGCAGAGGGGCTTTTCAGGTGCGGGGGTGA-3'
Protein context (NP_056219.3, residues 695-715): EATVAGGCLL[Pro705Phe]PSPSGHPDQT

ClinVar aggregate classification (germline): Uncertain significance (1 of 4 stars; one submission).

Submission:

GeneDx
Classification: Uncertain significance. Last evaluated: 2023-06-23. Review status: criteria provided, single submitter. Criteria: GeneDx Variant Classification Process June 2021. Collection method: clinical testing. Allele origin: germline. Affected: yes.
Comment: Not observed at significant frequency in large population cohorts (gnomAD); In silico analysis supports that this variant does not alter protein structure/function; Has not been previously published as pathogenic or benign to our knowledge